The following is an entry in ClinVar:

NM_130384.3(ATRIP):c.142C>G (p.Pro48Ala)

Genes: ATRIP (ATR interacting protein; plus strand), ATRIP-TREX1 (ATRIP-TREX1 readthrough; plus strand), LOC129936703 (ATAC-STARR-seq lymphoblastoid silent region 14331; plus strand). Cytogenetic location: 3p21.31.
Variant type: single nucleotide variant.
Coding change: c.142C>G on transcript NM_130384.3 (MANE Select); coding-DNA position 142, C replaced by G.
Protein change: p.Pro48Ala; replaces proline 48 with alanine.
Molecular consequence: missense variant. On other transcripts: non-coding transcript variant (1), intron variant (1).
Genome position (GRCh38, 1-based): chr3:48,446,987, C>G. VCF-style: chr3-48446987-C-G. GRCh37 (hg19) VCF-style: chr3-48488391-C-G.
Other names: c.142C>G, p.Pro48Ala (NM_032166.4); c.-218+188C>G (NM_001271022.2); short protein forms P48A.
Identifiers: ClinVar variation 4644524 (VCV004644524.1).
Genomic context (GRCh38, chr3:48,446,987, plus strand): 5'-CACCCCCCGAGCAAGCGGGCCCGGGGCTTCTCCGCAGCCGCTGCCCCGGACCCTGACGAC[C>G]CGTTCGGCGCGCATGGGGACTTCACTGCCGACGACCTGGAGGAGCTTGACACCCTCGCGT-3'
Protein context (NP_569055.1, residues 38-58): SAAAAPDPDD[Pro48Ala]FGAHGDFTAD

ClinVar aggregate classification (germline): Uncertain significance (1 of 4 stars; one submission).

gnomAD v4.1: 1 of 1,574,668 alleles (0.000064%); highest among the groups gnomAD compares: Non-Finnish European, 0.000086%; no homozygotes.

Submission:

Ambry Genetics
Classification: Uncertain significance. Last evaluated: 2025-10-03. Review status: criteria provided, single submitter. Criteria: Ambry Variant Classification Scheme 2023. Collection method: clinical testing. Allele origin: germline.
Comment: The p.P48A variant (also known as c.142C>G), located in coding exon 1 of the ATRIP gene, results from a C to G substitution at nucleotide position 142. The proline at codon 48 is replaced by alanine, an amino acid with highly similar properties. This amino acid position is conserved. In addition, the in silico prediction for this alteration is inconclusive. Based on the available evidence, the clinical significance of this variant remains unclear.